The following is an entry in ClinVar:

ClinVar aggregate classification (germline): Conflicting classifications of pathogenicity. Review status: criteria provided, conflicting classifications (1 of 4 stars). 3 submissions from 3 submitters: Uncertain significance (1); Likely benign (2). Last evaluated 2025-08-11.

Conditions:
Inborn genetic diseases. Identifiers: MedGen C0950123, MeSH D030342.

Allele frequency attached by ClinVar (database versions not stated): ESP Exome Variant Server 0.00017; 1000 Genomes Project 0.00040; TOPMed 0.00043; 1000 Genomes Project 30x 0.00094.
gnomAD v4.1: 118 of 1,609,916 alleles (0.0073%); highest among the groups gnomAD compares: African/African-American, 0.14%; no homozygotes.

Submissions (3):

Ambry Genetics
Classification: Likely benign for Inborn genetic diseases. Last evaluated: 2025-08-11. Review status: criteria provided, single submitter. Criteria: Ambry Variant Classification Scheme 2023. Collection method: clinical testing. Allele origin: germline.

Labcorp Genetics (formerly Invitae), Labcorp
Classification: Uncertain significance. Last evaluated: 2025-02-03. Review status: criteria provided, single submitter. Criteria: Invitae Variant Classification Sherloc (09022015). Collection method: clinical testing. Allele origin: germline.
Comment: This sequence change replaces threonine, which is neutral and polar, with arginine, which is basic and polar, at codon 284 of the CEP78 protein (p.Thr284Arg). This variant is present in population databases (rs377012729, gnomAD 0.1%). This variant has not been reported in the literature in individuals affected with CEP78-related conditions. ClinVar contains an entry for this variant (Variation ID: 862591). Invitae Evidence Modeling of protein sequence and biophysical properties (such as structural, functional, and spatial information, amino acid conservation, physicochemical variation, residue mobility, and thermodynamic stability) indicates that this missense variant is not expected to disrupt CEP78 protein function with a negative predictive value of 80%. In summary, the available evidence is currently insufficient to determine the role of this variant in disease. Therefore, it has been classified as a Variant of Uncertain Significance.

Blueprint Genetics
Classification: Likely benign. Last evaluated: 2024-05-13. Review status: criteria provided, single submitter. Criteria: ACMG Guidelines, 2015. Collection method: clinical testing. Allele origin: germline.

NM_001330691.3(CEP78):c.851C>G (p.Thr284Arg)

Gene: CEP78 (centrosomal protein 78; plus strand). Cytogenetic location: 9q21.2.
Variant type: single nucleotide variant.
Coding change: c.851C>G on transcript NM_001330691.3 (MANE Select); coding-DNA position 851, C replaced by G.
Protein change: p.Thr284Arg; replaces threonine 284 with arginine.
Molecular consequence: missense variant.
Genome position (GRCh38, 1-based): chr9:78,246,741, C>G. VCF-style: chr9-78246741-C-G. GRCh37 (hg19) VCF-style: chr9-80861657-C-G.
Other names: c.851C>G, p.Thr284Arg (NM_001098802.3, NM_001330693.3, NM_001330694.2 and 4 more transcripts); short protein forms T284R.
Identifiers: ClinVar variation 862591 (VCV000862591.9), dbSNP rs377012729, ClinGen allele CA5095040.